The following is an entry in ClinVar:

ClinVar aggregate classification (germline): Uncertain significance. Review status: criteria provided, multiple submitters, no conflicts (2 of 4 stars). 7 submissions from 7 submitters: Uncertain significance (6). 1 of the submissions does not count toward it. Last evaluated 2026-02-01.

Conditions:
Hereditary cancer-predisposing syndrome. Also called: Hereditary Cancer Syndrome; Neoplastic Syndromes, Hereditary; Tumor predisposition; Hereditary neoplastic syndrome. Identifiers: Orphanet 140162, MedGen C0027672, MeSH D009386, MONDO:0015356.
Ataxia-telangiectasia syndrome (AT). Also called: Cerebello-oculocutaneous telangiectasia; Immunodeficiency with ataxia telangiectasia; Ataxia-telangiectasia, complementation group E; Ataxia-telangiectasia, complementation group D; AT, COMPLEMENTATION GROUP C; ATAXIA-TELANGIECTASIA, COMPLEMENTATION GROUP A. Identifiers: Orphanet 100, MedGen C0004135, MONDO:0008840, OMIM 208900.

Allele frequency attached by ClinVar (database versions not stated): gnomAD exomes 0.00002 and 0.00001; TOPMed 0.00003; gnomAD 0.00003.
gnomAD v4.1: 9 of 1,613,958 alleles (0.00056%); highest among the groups gnomAD compares: Admixed American, 0.013%; no homozygotes.

Submissions (7):

Labcorp Genetics (formerly Invitae), Labcorp
Classification: Uncertain significance for Ataxia-telangiectasia syndrome. Last evaluated: 2026-02-01. Review status: criteria provided, single submitter. Criteria: Invitae Variant Classification Sherloc (09022015). Collection method: clinical testing. Allele origin: germline.
Comment: This sequence change replaces glutamine, which is neutral and polar, with glutamic acid, which is acidic and polar, at codon 2277 of the ATM protein (p.Gln2277Glu). This variant is present in population databases (no rsID available, gnomAD 0.009%). This missense change has been observed in individual(s) with breast and/or ovarian cancer (PMID: 12810666, 19781682). ClinVar contains an entry for this variant (Variation ID: 555010). Invitae Evidence Modeling of protein sequence and biophysical properties (such as structural, functional, and spatial information, amino acid conservation, physicochemical variation, residue mobility, and thermodynamic stability) indicates that this missense variant is not expected to disrupt ATM protein function with a negative predictive value of 95%. In summary, the available evidence is currently insufficient to determine the role of this variant in disease. Therefore, it has been classified as a Variant of Uncertain Significance.

Ambry Genetics
Classification: Uncertain significance for Hereditary cancer-predisposing syndrome. Last evaluated: 2025-04-22. Review status: criteria provided, single submitter. Criteria: Ambry Variant Classification Scheme 2023. Collection method: clinical testing. Allele origin: germline.
Comment: The p.Q2277E variant (also known as c.6829C>G), located in coding exon 46 of the ATM gene, results from a C to G substitution at nucleotide position 6829. The glutamine at codon 2277 is replaced by glutamic acid, an amino acid with highly similar properties. This alteration was detected in a cohort of 720 Austrian hereditary breast and/or ovarian cancer families (Thorstenson YR et al. Cancer Res, 2003 Jun;63:3325-33). This alteration has also been detected in 1/4,112 breast cancer patients and 0/2,399 healthy control individuals across numerous studies (Tavtigian SV et al. Am J Hum Genet, 2009 Oct;85:427-46). This amino acid position is well conserved in available vertebrate species. In addition, this alteration is predicted to be tolerated by in silico analysis. Based on the available evidence, the clinical significance of this variant remains unclear.

Institute for Biomarker Research, Medical Diagnostic Laboratories, L.L.C.
Classification: Uncertain significance for Hereditary cancer-predisposing syndrome. Last evaluated: 2024-09-16. Review status: criteria provided, single submitter. Criteria: ACMG Guidelines, 2015. Collection method: clinical testing. Allele origin: germline.
Comment: The missense variant NM_000051.4(ATM):c.6829C>G (p.Gln2277Glu) has not been reported previously as a pathogenic variant nor as a benign variant, to our knowledge. The p.Gln2277Glu variant is observed in 3/34,572 (0.0087%) alleles from individuals of gnomAD Latino background in gnomAD. The p.Gln2277Glu variant is novel (not in any individuals) in 1kG. There is a small physicochemical difference between glutamine and glutamic acid, which is not likely to impact secondary protein structure as these residues share similar properties. The gene ATM has a low rate of benign missense variation as indicated by a high missense variants Z-Score of 2.52.The nucleotide c.6829 in ATM is predicted conserved by GERP++ and PhyloP across 100 vertebrates. For these reasons, this variant has been classified as Uncertain Significance.

Women's Health and Genetics/Laboratory Corporation of America, LabCorp
Classification: Uncertain significance. Last evaluated: 2024-08-14. Review status: criteria provided, single submitter. Criteria: LabCorp Variant Classification Summary - May 2015. Collection method: clinical testing. Allele origin: germline.
Comment: Variant summary: ATM c.6829C>G (p.Gln2277Glu) results in a conservative amino acid change located in the PIK-related kinase, FAT of the encoded protein sequence. Four of five in-silico tools predict a benign effect of the variant on protein function. The variant allele was found at a frequency of 1.6e-05 in 251086 control chromosomes. The available data on variant occurrences in the general population are insufficient to allow any conclusion about variant significance. c.6829C>G has been reported in the literature in individuals affected with breast cancer, without strong evidence for causality (Tavtigian_2009, Thorstenson_2003). These reports do not provide unequivocal conclusions about association of the variant with Ataxia-Telangiectasia. To our knowledge, no experimental evidence demonstrating an impact on protein function has been reported. The following publications have been ascertained in the context of this evaluation (PMID: 19781682, 12810666). ClinVar contains an entry for this variant (Variation ID: 555010). Based on the evidence outlined above, the variant was classified as uncertain significance.

GeneDx
Classification: Uncertain significance. Last evaluated: 2022-05-20. Review status: criteria provided, single submitter. Criteria: GeneDx Variant Classification Process June 2021. Collection method: clinical testing. Allele origin: germline. Affected: yes.
Comment: Not observed at significant frequency in large population cohorts (gnomAD); In silico analysis supports that this missense variant does not alter protein structure/function; Observed in individuals with breast cancer (Thorstenson 2003, Tavtigian 2009); This variant is associated with the following publications: (PMID: 23532176, 12810666, 19781682)

Color Diagnostics, LLC DBA Color Health
Classification: Uncertain significance for Hereditary cancer-predisposing syndrome. Last evaluated: 2018-10-17. Review status: criteria provided, single submitter. Criteria: ACMG Guidelines, 2015. Collection method: clinical testing. Allele origin: germline.

Counsyl
Classification: Uncertain significance for Ataxia-telangiectasia syndrome. Last evaluated: 2017-11-10. Review status: no assertion criteria provided. Collection method: clinical testing. Allele origin: unknown. Not counted in ClinVar's aggregate classification.

Literature cited by the submitters: PubMed 12810666 (cited by 4 submitters); PubMed 19781682 (cited by 3 submitters).

NM_000051.4(ATM):c.6829C>G (p.Gln2277Glu)

Genes: ATM (ATM serine/threonine kinase; plus strand), C11orf65 (chromosome 11 open reading frame 65; minus strand). Cytogenetic location: 11q22.3.
Variant type: single nucleotide variant.
Coding change: c.6829C>G on transcript NM_000051.4 (MANE Select); coding-DNA position 6829, C replaced by G.
Protein change: p.Gln2277Glu; replaces glutamine 2277 with glutamic acid.
Molecular consequence: missense variant. On other transcripts: intron variant (2).
Genome position (GRCh38, 1-based): chr11:108,326,079, C>G. VCF-style: chr11-108326079-C-G. GRCh37 (hg19) VCF-style: chr11-108196806-C-G.
Other names: c.6829C>G, p.Gln2277Glu (NM_001351834.2); c.641-17008G>C (NM_001330368.2); c.*38+9141G>C (NM_001351110.2); short protein forms Q2277E.
Identifiers: ClinVar variation 555010 (VCV000555010.20), dbSNP rs1252906835, ClinGen allele CA382556546.